The following is an entry in ClinVar:

NM_007294.4(BRCA1):c.3583C>T (p.His1195Tyr)

Genes: BRCA1 (BRCA1 DNA repair associated; minus strand), LOC126862571 (BRD4-independent group 4 enhancer GRCh37_chr17:41243136-41244335; plus strand). Cytogenetic location: 17q21.31.
Variant type: single nucleotide variant.
Coding change: c.3583C>T on transcript NM_007294.4 (MANE Select); coding-DNA position 3583, C replaced by T.
Protein change: p.His1195Tyr; replaces histidine 1195 with tyrosine.
Molecular consequence: missense variant. On other transcripts: intron variant (135).
Genome position (GRCh38, 1-based): chr17:43,091,948, G>A on the plus strand (C>T on the coding strand, the complement: BRCA1 is on the minus strand). VCF-style: chr17-43091948-G-A. GRCh37 (hg19) VCF-style: chr17-41243965-G-A.
Other names: c.3370C>T, p.His1124Tyr (NM_001407571.1, NM_001407853.1, NM_001407894.1 and 9 more transcripts); c.3583C>T, p.His1195Tyr (NM_001407581.1, NM_001407582.1, NM_001407583.1 and 30 more transcripts); c.3580C>T, p.His1194Tyr (NM_001407587.1, NM_001407610.1, NM_001407611.1 and 22 more transcripts); c.3574C>T, p.His1192Tyr (NM_001407646.1, NM_001407647.1); c.3460C>T, p.His1154Tyr (NM_001407648.1, NM_001407664.1, NM_001407665.1 and 19 more transcripts); c.3457C>T, p.His1153Tyr (NM_001407649.1, NM_001407670.1, NM_001407671.1 and 11 more transcripts); c.3505C>T, p.His1169Tyr (NM_001407653.1, NM_001407654.1, NM_001407655.1 and 4 more transcripts); c.3502C>T, p.His1168Tyr (NM_001407659.1, NM_001407660.1, NM_001407661.1 and 1 more transcripts); and 41 more; short protein forms H1195Y, H1148Y, H1027Y, H1106Y, H1124Y, H1125Y, H1153Y, H327Y.
Identifiers: ClinVar variation 232653 (VCV000232653.22), dbSNP rs876659903, ClinGen allele CA10580557.

ClinVar aggregate classification (germline): Conflicting classifications of pathogenicity. Review status: criteria provided, conflicting classifications (1 of 4 stars). 4 submissions from 4 submitters: Uncertain significance (3); Likely benign (1). Last evaluated 2026-03-01.

Conditions:
Hereditary cancer-predisposing syndrome. Also called: Neoplastic Syndromes, Hereditary; Hereditary Cancer Syndrome; Tumor predisposition; Hereditary neoplastic syndrome. Identifiers: Orphanet 140162, MedGen C0027672, MeSH D009386, MONDO:0015356.
Hereditary breast ovarian cancer syndrome. Also called: BRCA1- and BRCA2-Associated Hereditary Breast and Ovarian Cancer; Hereditary breast and ovarian cancer syndrome (HBOC); Hereditary breast and ovarian cancer syndrome; Hereditary breast and ovarian cancer; Hereditary breast and/or ovarian cancer syndrome; Breast and ovarian cancer. Identifiers: Orphanet 145, MedGen C0677776, MeSH D061325, MONDO:0003582. Disease mechanism: loss of function.

Allele frequency attached by ClinVar (database versions not stated): gnomAD exomes below 0.00001.
gnomAD v4.1: 1 of 1,614,054 alleles (0.000062%); highest among the groups gnomAD compares: Non-Finnish European, 0.000085%; no homozygotes.

Submissions (4):

CeGaT Center for Human Genetics Tuebingen
Classification: Uncertain significance. Last evaluated: 2026-03-01. Review status: criteria provided, single submitter. Criteria: CeGaT Center For Human Genetics Tuebingen Variant Classification Criteria Version 2. Collection method: clinical testing. Allele origin: germline. Affected: yes. Observed: 1 variant allele.
Comment: BRCA1: PM2, BP4

University of Washington Department of Laboratory Medicine, University of Washington
Classification: Likely benign for Hereditary cancer-predisposing syndrome. Last evaluated: 2023-03-23. Review status: criteria provided, single submitter. Criteria: Dines et al. (Genet Med. 2020). Collection method: curation. Allele origin: germline.
Comment: Missense variant in a coldspot region where missense variants are very unlikely to be pathogenic (PMID:31911673).

BRCA1 coldspot (exon 11 using historical exon numbering). Reclassification based on statistical prior probability

Labcorp Genetics (formerly Invitae), Labcorp
Classification: Uncertain significance for Hereditary breast ovarian cancer syndrome. Last evaluated: 2023-03-01. Review status: criteria provided, single submitter. Criteria: Invitae Variant Classification Sherloc (09022015). Collection method: clinical testing. Allele origin: germline.
Comment: This variant has not been reported in the literature in individuals affected with BRCA1-related conditions. This sequence change replaces histidine, which is basic and polar, with tyrosine, which is neutral and polar, at codon 1195 of the BRCA1 protein (p.His1195Tyr). This variant is present in population databases (no rsID available, gnomAD 0.003%). ClinVar contains an entry for this variant (Variation ID: 232653). Advanced modeling of protein sequence and biophysical properties (such as structural, functional, and spatial information, amino acid conservation, physicochemical variation, residue mobility, and thermodynamic stability) performed at Invitae indicates that this missense variant is not expected to disrupt BRCA1 protein function. In summary, the available evidence is currently insufficient to determine the role of this variant in disease. Therefore, it has been classified as a Variant of Uncertain Significance.

Ambry Genetics
Classification: Uncertain significance for Hereditary cancer-predisposing syndrome. Last evaluated: 2015-06-24. Review status: criteria provided, single submitter. Criteria: Ambry Variant Classification Scheme 2023. Collection method: clinical testing. Allele origin: germline.
Comment: The p.H1195Y variant (also known as c.3583C>T and 3702C>T), located in coding exon 9 of the BRCA1 gene, results from a C to T substitution at nucleotide position 3583. The histidine at codon 1195 is replaced by tyrosine, an amino acid with some similar properties. This variant was not reported in population based cohorts in the following databases: Database of Single Nucleotide Polymorphisms (dbSNP), NHLBI Exome Sequencing Project (ESP), and 1000 Genomes Project. In the ESP, this variant was not observed in 6502 samples (13004 alleles) with coverage at this position. To date, this alteration has been detected with an allele frequency of approximately 0.001% (greater than 225000 alleles tested) in our clinical cohort. This amino acid position is not well conserved in available vertebrate species. In addition, the in silico prediction for this alteration is inconclusive. Since supporting evidence is limited at this time, the clinical significance of p.H1195Y remains unclear.